The following is an entry in ClinVar:

NM_000135.4(FANCA):c.1357A>G (p.Lys453Glu)

Gene: FANCA (FA complementation group A; minus strand). Cytogenetic location: 16q24.3.
Variant type: single nucleotide variant.
Coding change: c.1357A>G on transcript NM_000135.4 (MANE Select); coding-DNA position 1357, A replaced by G.
Protein change: p.Lys453Glu; replaces lysine 453 with glutamic acid.
Molecular consequence: missense variant.
Genome position (GRCh38, 1-based): chr16:89,791,405, T>C on the plus strand (A>G on the coding strand, the complement: FANCA is on the minus strand). VCF-style: chr16-89791405-T-C. GRCh37 (hg19) VCF-style: chr16-89857813-T-C.
Other names: c.1357A>G, p.Lys453Glu (NM_001286167.3); short protein forms K453E.
Identifiers: ClinVar variation 5036430 (VCV005036430.1).
Genomic context (GRCh38, chr16:89,791,405, plus strand): 5'-CACTCCCAGGCCTTCTGGGAAGATCAGGTATTAGGTAGCCGATTGGCAGGTCACTTACCT[T>C]GAACCAGTCTGCATATGACAGGAACGCAGAGGGGCCCTCCAGTGCTGCCTGGCGCACAAC-3'
Protein context (NP_000126.2, residues 443-463): SAFLSYADWF[Lys453Glu]ASFGSTRGYH

ClinVar aggregate classification (germline): Uncertain significance (1 of 4 stars; one submission).

Conditions:
Inborn genetic diseases. Identifiers: MedGen C0950123, MeSH D030342.

gnomAD v4.1: 2 of 1,613,896 alleles (0.00012%); highest among the groups gnomAD compares: Admixed American, 0.0033%; no homozygotes.

Submission:

Ambry Genetics
Classification: Uncertain significance for Inborn genetic diseases. Last evaluated: 2026-08-23. Review status: criteria provided, single submitter. Criteria: Ambry Variant Classification Scheme 2023. Collection method: clinical testing. Allele origin: germline.
Comment: The p.K453E variant (also known as c.1357A>G), located in coding exon 14 of the FANCA gene, results from an A to G substitution at nucleotide position 1357. The lysine at codon 453 is replaced by glutamic acid, an amino acid with similar properties. This amino acid position is conserved. In addition, the in silico prediction for this alteration is inconclusive. Based on the available evidence, the clinical significance of this variant remains unclear.